The following is an entry in ClinVar:

ClinVar aggregate classification (germline): Conflicting classifications of pathogenicity. Review status: criteria provided, conflicting classifications (1 of 4 stars). 4 submissions from 4 submitters: Uncertain significance (3); Likely benign (1). Last evaluated 2024-12-02.

Conditions:
Dilated cardiomyopathy 1DD (CMD1DD). Identifiers: Orphanet 154, MedGen C2750995, MONDO:0013168, OMIM 613172.

Allele frequency attached by ClinVar (database versions not stated): gnomAD 0.00001; gnomAD exomes 0.00001.
gnomAD v4.1: 12 of 1,550,934 alleles (0.00077%); highest among the groups gnomAD compares: South Asian, 0.0048%; no homozygotes.

Submissions (4):

GeneDx
Classification: Uncertain significance. Last evaluated: 2024-12-02. Review status: criteria provided, single submitter. Criteria: GeneDx Variant Classification Process June 2021. Collection method: clinical testing. Allele origin: germline. Affected: yes.
Comment: Identified in a patient with dilated cardiomyopathy in the published literature (PMID: 37652022); In silico analysis indicates that this missense variant does not alter protein structure/function; This variant is associated with the following publications: (PMID: 37652022)

Labcorp Genetics (formerly Invitae), Labcorp
Classification: Likely benign for Dilated cardiomyopathy 1DD. Last evaluated: 2024-07-30. Review status: criteria provided, single submitter. Criteria: Invitae Variant Classification Sherloc (09022015). Collection method: clinical testing. Allele origin: germline.

Blueprint Genetics
Classification: Uncertain significance. Last evaluated: 2024-01-09. Review status: criteria provided, single submitter. Criteria: ACMG Guidelines, 2015. Collection method: clinical testing. Allele origin: germline.

Fulgent Genetics
Classification: Uncertain significance for Dilated cardiomyopathy 1DD. Last evaluated: 2022-04-26. Review status: criteria provided, single submitter. Criteria: ACMG Guidelines, 2015. Collection method: clinical testing. Allele origin: unknown.

NM_001134363.3(RBM20):c.1100G>A (p.Arg367Gln)

Gene: RBM20 (RNA binding motif protein 20; plus strand). Cytogenetic location: 10q25.2.
Variant type: single nucleotide variant.
Coding change: c.1100G>A on transcript NM_001134363.3 (MANE Select); coding-DNA position 1100, G replaced by A.
Protein change: p.Arg367Gln; replaces arginine 367 with glutamine.
Molecular consequence: missense variant.
Genome position (GRCh38, 1-based): chr10:110,781,709, G>A. VCF-style: chr10-110781709-G-A. GRCh37 (hg19) VCF-style: chr10-112541467-G-A.
Other names: c.1100G>A (NM_001134363.1); short protein forms R367Q.
Identifiers: ClinVar variation 238542 (VCV000238542.12), dbSNP rs878854247, ClinGen allele CA10582701.